The following is an entry in ClinVar:

NM_002661.5(PLCG2):c.2055-8_2055-7inv

Gene: PLCG2 (phospholipase C gamma 2; plus strand). Cytogenetic location: 16q23.3.
Variant type: Inversion.
Coding change: c.2055-8_2055-7inv on transcript NM_002661.5 (MANE Select).
Molecular consequence: intron variant.
Genome position: GRCh38 VCF-style: chr16-81919476-TG-CA. GRCh37 (hg19) VCF-style: chr16-81953081-TG-CA.
Other names: c.2055-8_2055-7delinsCA (NM_002661.5).
Identifiers: ClinVar variation 1147225 (VCV001147225.13), ClinGen allele CA2499223708.

ClinVar aggregate classification (germline): Likely benign. Review status: criteria provided, multiple submitters, no conflicts (2 of 4 stars). 3 submissions from 3 submitters: Likely benign (3). Last evaluated 2025-08-22.

Conditions:
Familial cold autoinflammatory syndrome 3 (FCAS3). Also called: ANTIBODY DEFICIENCY AND IMMUNE DYSREGULATION, PLCG2-ASSOCIATED; FAMILIAL ATYPICAL COLD URTICARIA. Identifiers: Orphanet 300359, MedGen C3280914, MONDO:0013766, OMIM 614468.
Autoinflammation-PLCG2-associated antibody deficiency-immune dysregulation. Also called: Autoinflammation, antibody deficiency, and immune dysregulation, plcg2-associated; AUTOINFLAMMATION, ANTIBODY DEFICIENCY, AND IMMUNE DYSREGULATION; Autoinflammation, antibody deficiency, and immune dysregulation syndrome. Identifiers: Orphanet 324530, MedGen C3553961, MONDO:0013944, OMIM 614878.

Submissions (3):

Labcorp Genetics (formerly Invitae), Labcorp
Classification: Likely benign for Familial cold autoinflammatory syndrome 3. Last evaluated: 2025-08-22. Review status: criteria provided, single submitter. Criteria: Invitae Variant Classification Sherloc (09022015). Collection method: clinical testing. Allele origin: germline.

Women's Health and Genetics/Laboratory Corporation of America, LabCorp
Classification: Likely benign. Last evaluated: 2025-04-30. Review status: criteria provided, single submitter. Criteria: LabCorp Variant Classification Summary - May 2015. Collection method: clinical testing. Allele origin: germline.
Comment: Variant summary: PLCG2 c.2055-8_2055-7delinsCA alters a nucleotide located at a position not widely known to affect splicing. Consensus agreement among computation tools predict no significant impact on normal splicing. However, these predictions have yet to be confirmed by functional studies. The variant was absent in 279564 control chromosomes. The available data on variant occurrences in the general population are insufficient to allow any conclusion about variant significance. To our knowledge, no occurrence of c.2055-8_2055-7delinsCA in individuals affected with Autoinflammation-PLCG2-associated antibody deficiency-immune dysregulation and no experimental evidence demonstrating its impact on protein function have been reported. ClinVar contains an entry for this variant (Variation ID: 1147225). Based on the evidence outlined above, the variant was classified as likely benign.

Fulgent Genetics
Classification: Likely benign for Familial cold autoinflammatory syndrome 3; Autoinflammation-PLCG2-associated antibody deficiency-immune dysregulation. Last evaluated: 2021-08-02. Review status: criteria provided, single submitter. Criteria: ACMG Guidelines, 2015. Collection method: clinical testing. Allele origin: unknown.